The following is an entry in ClinVar:

NM_002769.5(PRSS1):c.651_652delinsCT (p.Asp218Tyr)

Genes: TRB (T cell receptor beta locus; plus strand), PRSS1 (serine protease 1; plus strand). Cytogenetic location: 7q34.
Variant type: Indel.
Coding change: c.651_652delinsCT on transcript NM_002769.5 (MANE Select); coding-DNA positions 651 to 652, TG replaced by CT.
Protein change: p.Asp218Tyr; replaces aspartic acid 218 with tyrosine.
Molecular consequence: missense variant.
Genome position (GRCh38, 1-based): chr7:142,752,927-142,752,928, TG replaced by CT. VCF-style: chr7-142752927-TG-CT. GRCh37 (hg19) VCF-style: chr7-142460778-TG-CT.
Other names: p.Asp218Tyr; c.651_652delinsCT (NM_002769.4); short protein forms D218Y.
Identifiers: ClinVar variation 498406 (VCV000498406.17), dbSNP rs1554499629, ClinGen allele CA658797020.
Genomic context (GRCh38, chr7:142,752,927, plus strand): 5'-GGGTGATTCTGGTGGCCCTGTGGTCTGCAATGGACAGCTCCAAGGAGTTGTCTCCTGGGG[TG>CT]ATGGCTGTGCCCAGAAGAACAAGCCTGGAGTCTACACCAAGGTCTACAACTATGTGAAAT-3'
Protein context (NP_002760.1, residues 208-228): GQLQGVVSWG[Asp218Tyr]GCAQKNKPGV

ClinVar aggregate classification (germline): Conflicting classifications of pathogenicity. Review status: criteria provided, conflicting classifications (1 of 4 stars). 5 submissions from 5 submitters: Uncertain significance (4); Likely benign (1). Last evaluated 2026-01-26.

Conditions:
Hereditary pancreatitis (PCTT). Also called: PRSS1-Related Hereditary Pancreatitis; Hereditary chronic pancreatitis. Identifiers: Orphanet 676, MedGen C0238339, MONDO:0008185, OMIM 167800.

Submissions (5):

Labcorp Genetics (formerly Invitae), Labcorp
Classification: Uncertain significance for Hereditary pancreatitis. Last evaluated: 2026-01-26. Review status: criteria provided, single submitter. Criteria: Invitae Variant Classification Sherloc (09022015). Collection method: clinical testing. Allele origin: germline.
Comment: This sequence change replaces aspartic acid, which is acidic and polar, with tyrosine, which is neutral and polar, at codon 218 of the PRSS1 protein (p.Asp218Tyr). Information on the frequency of this variant in the gnomAD database is not available, as this variant may be reported differently in the database. This variant has not been reported in the literature in individuals affected with PRSS1-related conditions. ClinVar contains an entry for this variant (Variation ID: 498406). An algorithm developed to predict the effect of missense changes on protein structure and function outputs the following: PolyPhen-2: "Not Available". The tyrosine amino acid residue is found in multiple mammalian species, which suggests that this missense change does not adversely affect protein function. Experimental studies have shown that this missense change affects PRSS1 function (PMID: 16505482). In summary, the available evidence is currently insufficient to determine the role of this variant in disease. Therefore, it has been classified as a Variant of Uncertain Significance.

Mayo Clinic Laboratories, Mayo Clinic
Classification: Uncertain significance. Last evaluated: 2023-09-21. Review status: criteria provided, single submitter. Criteria: ACMG Guidelines, 2015. Collection method: clinical testing. Allele origin: germline. Observed: 1 variant allele.
Comment: BP4

Ambry Genetics
Classification: Likely benign for Hereditary pancreatitis. Last evaluated: 2023-07-11. Review status: criteria provided, single submitter. Criteria: Ambry Variant Classification Scheme 2023. Collection method: clinical testing. Allele origin: germline.

Women's Health and Genetics/Laboratory Corporation of America, LabCorp
Classification: Uncertain significance. Last evaluated: 2019-11-27. Review status: criteria provided, single submitter. Criteria: LabCorp Variant Classification Summary - May 2015. Collection method: clinical testing. Allele origin: germline.
Comment: Variant summary: PRSS1 c.651_652delinsCT (p.Asp218Tyr) results in a non-conservative amino acid change located in the Serine proteases, trypsin domain (IPR001254) of the encoded protein sequence. Three of four in-silico tools predict a benign effect of the variant on protein function. The variant allele was found at a frequency of 4e-05 in 251236 control chromosomes (gnomAD, Exomes cohort). The observed variant frequency is approximately 8 fold of the estimated maximal expected allele frequency for a pathogenic variant in PRSS1 causing Chronic Pancreatitis Risk phenotype (5e-06), suggesting that the variant may be benign. To our knowledge, no occurrence of c.651_652delinsCT in individuals affected with Chronic Pancreatitis Risk has been reported. Experimental evidence evaluating an impact on protein function demonstrated the variant to result in an 11-fold increase in autoactivation of cationic trypsinogen (Nemoda_2005). Two ClinVar submitters (evaluation after 2014) cite the variant as uncertain significance. Based on the evidence outlined above, the variant was classified as uncertain significance until additional evidence of clinical and functional importance becomes available.

Eurofins Ntd Llc (ga)
Classification: Uncertain significance. Last evaluated: 2016-11-04. Review status: criteria provided, single submitter. Criteria: EGL Classification Definitions 2015. Collection method: clinical testing. Allele origin: germline. Observed: 1 variant allele, 1 heterozygote.

Literature cited by the submitters: PubMed 16505482 (cited by 4 submitters); PubMed 15970597 (cited by Mayo Clinic Laboratories, Mayo Clinic and Women's Health and Genetics/Laboratory Corporation of America, LabCorp).